The following is an entry in ClinVar:

ClinVar aggregate classification (germline): Uncertain significance. Review status: criteria provided, multiple submitters, no conflicts (2 of 4 stars). 2 submissions from 2 submitters: Uncertain significance (2). Last evaluated 2024-01-16.

Conditions:
Combined malonic and methylmalonic acidemia. Identifiers: Orphanet 289504, MedGen C3280314, MONDO:0013661, OMIM 614265.
Inborn genetic diseases. Identifiers: MedGen C0950123, MeSH D030342.

Allele frequency attached by ClinVar (database versions not stated): gnomAD 0.00015; 1000 Genomes Project 0.00020.
gnomAD v4.1: 16 of 1,105,512 alleles (0.0014%); highest among the groups gnomAD compares: Middle Eastern, 0.025%; no homozygotes.

Submissions (2):

Ambry Genetics
Classification: Uncertain significance for Inborn genetic diseases. Last evaluated: 2024-01-16. Review status: criteria provided, single submitter. Criteria: Ambry Variant Classification Scheme 2023. Collection method: clinical testing. Allele origin: germline.

Labcorp Genetics (formerly Invitae), Labcorp
Classification: Uncertain significance for Combined malonic and methylmalonic acidemia. Last evaluated: 2022-06-27. Review status: criteria provided, single submitter. Criteria: Invitae Variant Classification Sherloc (09022015). Collection method: clinical testing. Allele origin: germline.
Comment: This sequence change replaces threonine, which is neutral and polar, with methionine, which is neutral and non-polar, at codon 284 of the ACSF3 protein (p.Thr284Met). This variant is present in population databases (rs373794208, gnomAD 0.007%). This variant has not been reported in the literature in individuals affected with ACSF3-related conditions. Algorithms developed to predict the effect of missense changes on protein structure and function output the following: SIFT: "Deleterious"; PolyPhen-2: "Possibly Damaging"; Align-GVGD: "Class C0". The methionine amino acid residue is found in multiple mammalian species, which suggests that this missense change does not adversely affect protein function. In summary, the available evidence is currently insufficient to determine the role of this variant in disease. Therefore, it has been classified as a Variant of Uncertain Significance.

NM_001243279.3(ACSF3):c.851C>T (p.Thr284Met)

Gene: ACSF3 (acyl-CoA synthetase family member 3; plus strand). Cytogenetic location: 16q24.3.
Variant type: single nucleotide variant.
Coding change: c.851C>T on transcript NM_001243279.3 (MANE Select); coding-DNA position 851, C replaced by T.
Protein change: p.Thr284Met; replaces threonine 284 with methionine.
Molecular consequence: missense variant. On other transcripts: non-coding transcript variant (3).
Genome position (GRCh38, 1-based): chr16:89,112,120, C>T. VCF-style: chr16-89112120-C-T. GRCh37 (hg19) VCF-style: chr16-89178528-C-T.
Other names: c.851C>T, p.Thr284Met (NM_001127214.4, NM_174917.5); c.56C>T, p.Thr19Met (NM_001284316.2); c.851C>T (NM_174917.3); short protein forms T284M, T19M.
Identifiers: ClinVar variation 2160039 (VCV002160039.2), dbSNP rs373794208, ClinGen allele CA8237861.